The following is an entry in ClinVar:

NM_000443.4(ABCB4):c.100dup (p.Thr34fs)

Gene: ABCB4 (ATP binding cassette subfamily B member 4; minus strand). Cytogenetic location: 7q21.12.
Variant type: Duplication.
Coding change: c.100dup on transcript NM_000443.4 (MANE Select); coding-DNA position 100, one base duplicated (A; older notation c.100dupA).
Protein change: p.Thr34fs; shifts the reading frame from threonine 34.
Molecular consequence: frameshift variant.
Genome position (GRCh38, 1-based): chr7:87,472,656, T duplicated on the plus strand (A on the coding strand, the reverse complement: ABCB4 is on the minus strand); the first of 7 consecutive T bases (chr7:87,472,656-87,472,662); duplicating any one gives the same sequence. VCF-style (leftmost placement, unchanged base first): chr7-87472655-G-GT. GRCh37 (hg19) VCF-style: chr7-87101971-G-GT.
Other names: c.100dup, p.Thr34fs (NM_018849.3, NM_018850.3); short protein forms T34fs.
Identifiers: ClinVar variation 499326 (VCV000499326.6), dbSNP rs1554417376, ClinGen allele CA575857670.
Genomic context (GRCh38, chr7:87,472,655, plus strand): 5'-TTCACATTTAACATTTCACAGCTTACCAATGTTAATACTCCAATCATTTTCACTGTCTTC[G>GT]TTTTTTTCCTTTTTTGTTTGCTGTAAAAAATAGAATTGCTTCAATTTAAAACTGTTACAA-3'

ClinVar aggregate classification (germline): Pathogenic. Review status: criteria provided, multiple submitters, no conflicts (2 of 4 stars). 2 submissions from 2 submitters: Pathogenic (2). Last evaluated 2026-04-14.

Conditions:
Familial intrahepatic cholestasis. Identifiers: Orphanet 284385, MedGen CN296401, MONDO:0017290.
Low phospholipid associated cholelithiasis (GBD1). Also called: Gallstone cholecystitis; Gallbladder disease 1. Identifiers: Orphanet 69663, MedGen C2609268, MONDO:0010939, OMIM 600803.

Submissions (2):

Genomenon, Inc
Classification: Pathogenic for Familial intrahepatic cholestasis; Low phospholipid associated cholelithiasis. Last evaluated: 2026-04-14. Review status: criteria provided, single submitter. Criteria: Genomenon Sequence Variant Interpretation Standards - Updated. Collection method: curation. Allele origin: germline. Affected: yes.
Comment: ABCB4 p.Thr34AsnfsTer21 (c.100dup) is a frameshift variant that results in the production of a truncated protein which is predicted to undergo nonsense-mediated mRNA decay. This variant has been observed in at least one proband with an ABCB4-related disorder (PMID:27825922). It is absent or not present at a significant frequency in gnomAD. In conclusion, we classify ABCB4 p.Thr34AsnfsTer21 (c.100dup) as a pathogenic variant.

Eurofins Ntd Llc (ga)
Classification: Pathogenic. Last evaluated: 2016-12-20. Review status: criteria provided, single submitter. Criteria: EGL Classification Definitions 2015. Collection method: clinical testing. Allele origin: germline. Observed: 1 variant allele, 1 homozygote.

Literature cited by the submitters: PubMed 27825922 (cited by Genomenon, Inc).